The following is an entry in ClinVar:

NM_001127208.3(TET2):c.1960del (p.Gln654fs)

Genes: TET2 (tet methylcytosine dioxygenase 2; plus strand), TET2-AS1 (TET2 antisense RNA 1; minus strand). Cytogenetic location: 4q24.
Variant type: Deletion.
Coding change: c.1960del on transcript NM_001127208.3 (MANE Select); coding-DNA position 1960, one base deleted (C; older notation c.1960delC).
Protein change: p.Gln654fs; shifts the reading frame from glutamine 654.
Molecular consequence: frameshift variant.
Genome position (GRCh38, 1-based): chr4:105,235,902, C deleted; the last of 2 consecutive C bases (chr4:105,235,901-105,235,902); deleting either gives the same sequence. VCF-style (leftmost placement, unchanged base first): chr4-105235900-TC-T. GRCh37 (hg19) VCF-style: chr4-106157057-TC-T.
Other names: c.1960del, p.Gln654fs (NM_017628.4); short protein forms Q654fs.
Identifiers: ClinVar variation 4718147 (VCV004718147.1).
Genomic context (GRCh38, chr4:105,235,900, plus strand): 5'-TGTACCAAGTTGAAATGAATCAAGGGCAGTCCCAAGGTACAGTGGACCAACATCTCCAGT[TC>T]CAAAAACCCTCACACCAGGTGCACTTCTCCAAAACAGACCATTTACCAAAAGCTCATGTG-3'

ClinVar aggregate classification (germline): Pathogenic (1 of 4 stars; one submission).

Submission:

Labcorp Genetics (formerly Invitae), Labcorp
Classification: Pathogenic. Last evaluated: 2025-04-22. Review status: criteria provided, single submitter. Criteria: Invitae Variant Classification Sherloc (09022015). Collection method: clinical testing. Allele origin: germline.
Comment: This sequence change creates a premature translational stop signal (p.Gln654Lysfs*46) in the TET2 gene. It is expected to result in an absent or disrupted protein product. Loss-of-function variants in TET2 are known to be pathogenic (PMID: 36066697). This variant is present in population databases (no rsID available, gnomAD 0.0009%). This variant has not been reported in the literature in individuals affected with TET2-related conditions. For these reasons, this variant has been classified as Pathogenic.

Literature cited by the submitters: PubMed 36066697.